The following is an entry in ClinVar:

NM_001853.4(COL9A3):c.631-1G>A

Gene: COL9A3 (collagen type IX alpha 3 chain; plus strand). Cytogenetic location: 20q13.33.
Variant type: single nucleotide variant.
Coding change: c.631-1G>A on transcript NM_001853.4 (MANE Select); the canonical splice acceptor site of the intron before coding-DNA position 631, G replaced by A.
Molecular consequence: splice acceptor variant.
Genome position (GRCh38, 1-based): chr20:62,825,816, G>A. VCF-style: chr20-62825816-G-A. GRCh37 (hg19) VCF-style: chr20-61457168-G-A.
Identifiers: ClinVar variation 1392588 (VCV001392588.6), dbSNP rs1177052461, ClinGen allele CA409591044.

ClinVar aggregate classification (germline): Uncertain significance (1 of 4 stars; one submission).

Allele frequency attached by ClinVar (database versions not stated): TOPMed below 0.00001.
gnomAD v4.1: 9 of 1,553,492 alleles (0.00058%); highest among the groups gnomAD compares: Non-Finnish European, 0.0007%; no homozygotes.

Submission:

Labcorp Genetics (formerly Invitae), Labcorp
Classification: Uncertain significance. Last evaluated: 2023-03-11. Review status: criteria provided, single submitter. Criteria: Invitae Variant Classification Sherloc (09022015). Collection method: clinical testing. Allele origin: germline.
Comment: In summary, the available evidence is currently insufficient to determine the role of this variant in disease. Therefore, it has been classified as a Variant of Uncertain Significance. Algorithms developed to predict the effect of sequence changes on RNA splicing suggest that this variant may disrupt the consensus splice site. ClinVar contains an entry for this variant (Variation ID: 1392588). This variant has not been reported in the literature in individuals affected with COL9A3-related conditions. This variant is not present in population databases (gnomAD no frequency). This sequence change affects an acceptor splice site in intron 12 of the COL9A3 gene. It is expected to disrupt RNA splicing. Variants that disrupt the donor or acceptor splice site typically lead to a loss of protein function (PMID: 16199547), however the current clinical and genetic evidence is not sufficient to establish whether loss-of-function variants in COL9A3 cause disease.

Literature cited by the submitters: PubMed 16199547.